The following is an entry in ClinVar:

ClinVar aggregate classification (germline): Uncertain significance (1 of 4 stars; one submission).

Conditions:
MHC class I deficiency. Identifiers: Orphanet 34592, MedGen C6024714, MONDO:0011476.

Allele frequency attached by ClinVar (database versions not stated): TOPMed 0.00001; gnomAD exomes 0.00002 and below 0.00001; gnomAD 0.00001.
gnomAD v4.1: 36 of 1,612,820 alleles (0.0022%); highest among the groups gnomAD compares: Non-Finnish European, 0.003%; no homozygotes.

Submission:

Labcorp Genetics (formerly Invitae), Labcorp
Classification: Uncertain significance for MHC class I deficiency 1. Last evaluated: 2021-11-18. Review status: criteria provided, single submitter. Criteria: Invitae Variant Classification Sherloc (09022015). Collection method: clinical testing. Allele origin: germline.
Comment: This sequence change falls in intron 3 of the TAP1 gene. It does not directly change the encoded amino acid sequence of the TAP1 protein. It affects a nucleotide within the consensus splice site. The frequency data for this variant in the population databases is considered unreliable, as metrics indicate poor data quality at this position in the gnomAD database. This variant has not been reported in the literature in individuals affected with TAP1-related conditions. Variants that disrupt the consensus splice site are a relatively common cause of aberrant splicing (PMID: 17576681, 9536098). Algorithms developed to predict the effect of sequence changes on RNA splicing suggest that this variant is not likely to affect RNA splicing. In summary, the available evidence is currently insufficient to determine the role of this variant in disease. Therefore, it has been classified as a Variant of Uncertain Significance.

Literature cited by the submitters: PubMed 17576681; PubMed 9536098.

NM_000593.6(TAP1):c.844+4T>C

Gene: TAP1 (transporter 1, ATP binding cassette subfamily B member; minus strand). Cytogenetic location: 6p21.32.
Variant type: single nucleotide variant.
Coding change: c.844+4T>C on transcript NM_000593.6 (MANE Select); 4 bases into the intron after coding-DNA position 844, T replaced by C.
Molecular consequence: intron variant.
Genome position (GRCh38, 1-based): chr6:32,852,105, A>G on the plus strand (T>C on the coding strand, the complement: TAP1 is on the minus strand). VCF-style: chr6-32852105-A-G. GRCh37 (hg19) VCF-style: chr6-32819882-A-G.
Other names: c.241+4T>C (NM_001292022.2).
Identifiers: ClinVar variation 1467279 (VCV001467279.3), dbSNP rs1382854110, ClinGen allele CA566698117.
Genomic context (GRCh38, chr6:32,852,105, plus strand): 5'-TCAAAGCAGATGTATGAGGATATGAACAGTACATGGCGTATAATGAAAGAGTTTCAGGAG[A>G]AACCTGTCTGGTTCTGTTGGAAAAACTCCGTCTCCTGGCGCAGGACAGCCCCAAACACCT-3'